The following is an entry in ClinVar:

NM_021167.5(GATAD1):c.431A>G (p.Tyr144Cys)

Gene: GATAD1 (GATA zinc finger domain containing 1; plus strand). Cytogenetic location: 7q21.2.
Variant type: single nucleotide variant.
Coding change: c.431A>G on transcript NM_021167.5 (MANE Select); coding-DNA position 431, A replaced by G.
Protein change: p.Tyr144Cys; replaces tyrosine 144 with cysteine.
Molecular consequence: missense variant. On other transcripts: non-coding transcript variant (1).
Genome position (GRCh38, 1-based): chr7:92,450,756, A>G. VCF-style: chr7-92450756-A-G. GRCh37 (hg19) VCF-style: chr7-92080070-A-G.
Other names: short protein forms Y144C.
Identifiers: ClinVar variation 264373 (VCV000264373.14), dbSNP rs200584566, ClinGen allele CA4340282.
Genomic context (GRCh38, chr7:92,450,756, plus strand): 5'-CATAGCCCATCAAAGCTCCTGAGTCAGTTTCCACTATAATCACTGCAGAATCAATCTTCT[A>G]CAAGGTAAGCTTTTGTAGAGTTACTGAAGGAAGAGTTGGGCCTAGTGGGTAATGTGCCAC-3'
Protein context (NP_066990.3, residues 134-154): STIITAESIF[Tyr144Cys]KGVYYQIGDV

ClinVar aggregate classification (germline): Uncertain significance. Review status: criteria provided, multiple submitters, no conflicts (2 of 4 stars). 2 submissions from 2 submitters: Uncertain significance (2). Last evaluated 2019-11-28.

Conditions:
Cardiovascular phenotype. Identifiers: MedGen CN230736.
Dilated cardiomyopathy 2B. Identifiers: Orphanet 154, MedGen C3553409, MONDO:0013848, OMIM 614672.

Allele frequency attached by ClinVar (database versions not stated): gnomAD exomes 0.00001 and 0.00002; TOPMed 0.00001; ExAC 0.00002; ESP Exome Variant Server 0.00008.
gnomAD v4.1: 29 of 1,600,336 alleles (0.0018%); highest among the groups gnomAD compares: Non-Finnish European, 0.0024%; no homozygotes.

Submissions (2):

Labcorp Genetics (formerly Invitae), Labcorp
Classification: Uncertain significance for Dilated cardiomyopathy 2B. Last evaluated: 2019-11-28. Review status: criteria provided, single submitter. Criteria: Invitae Variant Classification Sherloc (09022015). Collection method: clinical testing. Allele origin: germline.
Comment: In summary, the available evidence is currently insufficient to determine the role of this variant in disease. Therefore, it has been classified as a Variant of Uncertain Significance. Algorithms developed to predict the effect of missense changes on protein structure and function are either unavailable or do not agree on the potential impact of this missense change (SIFT: "Deleterious"; PolyPhen-2: "Possibly Damaging"; Align-GVGD: "Class C0"). This variant has not been reported in the literature in individuals with GATAD1-related conditions. ClinVar contains an entry for this variant (Variation ID: 264373). This variant is present in population databases (rs200584566, ExAC 0.003%). This sequence change replaces tyrosine with cysteine at codon 144 of the GATAD1 protein (p.Tyr144Cys). The tyrosine residue is highly conserved and there is a large physicochemical difference between tyrosine and cysteine.

Ambry Genetics
Classification: Uncertain significance for Cardiovascular phenotype. Last evaluated: 2019-08-19. Review status: criteria provided, single submitter. Criteria: Ambry Variant Classification Scheme 2023. Collection method: clinical testing. Allele origin: germline.
Comment: The p.Y144C variant (also known as c.431A>G), located in coding exon 3 of the GATAD1 gene, results from an A to G substitution at nucleotide position 431. The tyrosine at codon 144 is replaced by cysteine, an amino acid with highly dissimilar properties. This amino acid position is not well conserved in available vertebrate species, and cysteine is the reference amino acid in one species. In addition, the in silico prediction for this alteration is inconclusive. Since supporting evidence is limited at this time, the clinical significance of this alteration remains unclear.